The following is an entry in ClinVar:

ClinVar aggregate classification (germline): Benign. Review status: criteria provided, single submitter (1 of 4 stars). 2 submissions from 1 submitter: Benign (2). Last evaluated 2018-01-13.

Conditions:
Charcot-Marie-Tooth disease type 4C (CMT4C). Also called: CHARCOT-MARIE-TOOTH DISEASE, DEMYELINATING, AUTOSOMAL RECESSIVE, TYPE 4C; CMT 4C; Charcot-Marie-Tooth Neuropathy Type 4C (CMT4C); CHARCOT-MARIE-TOOTH DISEASE, DEMYELINATING, TYPE 4C; SH3TC2-Related Hereditary Motor and Sensory Neuropathy. Identifiers: Orphanet 99949, MedGen C1866636, MONDO:0011113, OMIM 601596.
Susceptibility to mononeuropathy of the median nerve, mild. Also called: CARPAL TUNNEL SYNDROME, SUSCEPTIBILITY TO. Identifiers: MedGen C3150596, MONDO:0013237, OMIM 613353.

Allele frequency attached by ClinVar (database versions not stated): 1000 Genomes Project 0.00459; 1000 Genomes Project 30x 0.00515; gnomAD 0.00821 and 0.00888; TOPMed 0.01009.
gnomAD v4.1: 1,948 of 1,019,074 alleles (0.19%); highest among the groups gnomAD compares: African/African-American, 2.9%; 32 homozygotes.

Submissions (2):

Illumina Laboratory Services, Illumina
Classification: Benign for Susceptibility to mononeuropathy of the median nerve, mild. Last evaluated: 2018-01-13. Review status: criteria provided, single submitter. Criteria: ICSL Variant Classification Criteria 13 December 2019. Collection method: clinical testing. Allele origin: germline.
Comment: This variant was observed in the ICSL laboratory as part of a predisposition screen in an ostensibly healthy population. It had not been previously curated by ICSL or reported in the Human Gene Mutation Database (HGMD: prior to June 1st, 2018), and was therefore a candidate for classification through an automated scoring system. Utilizing variant allele frequency, disease prevalence and penetrance estimates, and inheritance mode, an automated score was calculated to assess if this variant is too frequent to cause the disease. Based on the score and internal cut-off values, a variant classified as benign is not then subjected to further curation. The score for this variant resulted in a classification of benign for this disease.

Illumina Laboratory Services, Illumina
Classification: Benign for Charcot-Marie-Tooth disease type 4C. Last evaluated: 2018-01-13. Review status: criteria provided, single submitter. Criteria: ICSL Variant Classification Criteria 13 December 2019. Collection method: clinical testing. Allele origin: germline.
Comment: the same text as in the submission from Illumina Laboratory Services, Illumina above.

NM_024577.4(SH3TC2):c.*122G>T

Gene: SH3TC2 (SH3 domain and tetratricopeptide repeats 2; minus strand). Cytogenetic location: 5q32.
Variant type: single nucleotide variant.
Coding change: c.*122G>T on transcript NM_024577.4 (MANE Select); 122 bases downstream of the stop codon, G replaced by T.
Molecular consequence: 3 prime UTR variant.
Genome position (GRCh38, 1-based): chr5:149,004,589, C>A on the plus strand (G>T on the coding strand, the complement: SH3TC2 is on the minus strand). VCF-style: chr5-149004589-C-A. GRCh37 (hg19) VCF-style: chr5-148384152-C-A.
Identifiers: ClinVar variation 351891 (VCV000351891.5), dbSNP rs114151926, ClinGen allele CA10620754.
Genomic context (GRCh38, chr5:149,004,589, plus strand): 5'-ACCATCAAATCTTTCTGTGGCCTGCAATGAGCCCTTCTCCTCCTGGACTTCATTCTTCTT[C>A]TTGTGAAATGAGGGGGCTAGGCCAGGTAAGGACTCGGACCCTCCCAATGAGTATTTAAGA-3'